The following is an entry in ClinVar:

NM_003922.4(HERC1):c.9667C>G (p.Arg3223Gly)

Gene: HERC1 (HECT and RLD domain containing E3 ubiquitin protein ligase family member 1; minus strand). Cytogenetic location: 15q22.31.
Variant type: single nucleotide variant.
Coding change: c.9667C>G on transcript NM_003922.4 (MANE Select); coding-DNA position 9667, C replaced by G.
Protein change: p.Arg3223Gly; replaces arginine 3223 with glycine.
Molecular consequence: missense variant.
Genome position (GRCh38, 1-based): chr15:63,656,291, G>C on the plus strand (C>G on the coding strand, the complement: HERC1 is on the minus strand). VCF-style: chr15-63656291-G-C. GRCh37 (hg19) VCF-style: chr15-63948490-G-C.
Other names: short protein forms R3223G.
Identifiers: ClinVar variation 3391692 (VCV003391692.1).

ClinVar aggregate classification (germline): Uncertain significance (1 of 4 stars; one submission).

Submission:

GeneDx
Classification: Uncertain significance. Last evaluated: 2024-06-18. Review status: criteria provided, single submitter. Criteria: GeneDx Variant Classification Process June 2021. Collection method: clinical testing. Allele origin: germline. Affected: yes.
Comment: Not observed at significant frequency in large population cohorts (gnomAD); In silico analysis supports that this missense variant has a deleterious effect on protein structure/function; Has not been previously published as pathogenic or benign to our knowledge